The following is an entry in ClinVar:

ClinVar aggregate classification (germline): Uncertain significance (1 of 4 stars; one submission).

Conditions:
Cardiovascular phenotype. Identifiers: MedGen CN230736.

Submission:

Ambry Genetics
Classification: Uncertain significance for Cardiovascular phenotype. Last evaluated: 2023-09-30. Review status: criteria provided, single submitter. Criteria: Ambry Variant Classification Scheme 2023. Collection method: clinical testing. Allele origin: germline.
Comment: The p.K2303E variant (also known as c.6907A>G), located in coding exon 19 of the TNXB gene, results from an A to G substitution at nucleotide position 6907. The lysine at codon 2303 is replaced by glutamic acid, an amino acid with similar properties. This amino acid position is conserved. In addition, this alteration is predicted to be tolerated by in silico analysis. Since supporting evidence is limited at this time, the clinical significance of this alteration remains unclear.

NM_001365276.2(TNXB):c.6907A>G (p.Lys2303Glu)

Gene: TNXB (tenascin XB; minus strand). Cytogenetic location: 6p21.33.
Variant type: single nucleotide variant.
Coding change: c.6907A>G on transcript NM_001365276.2 (MANE Select); coding-DNA position 6907, A replaced by G.
Protein change: p.Lys2303Glu; replaces lysine 2303 with glutamic acid.
Molecular consequence: missense variant.
Genome position (GRCh38, 1-based): chr6:32,062,418, T>C on the plus strand (A>G on the coding strand, the complement: TNXB is on the minus strand). VCF-style: chr6-32062418-T-C. GRCh37 (hg19) VCF-style: chr6-32030195-T-C.
Other names: c.7648A>G, p.Lys2550Glu (NM_001428335.1); c.6907A>G, p.Lys2303Glu (NM_019105.8); short protein forms K2303E, K2550E.
Identifiers: ClinVar variation 3227312 (VCV003227312.1), dbSNP rs2483519684, ClinGen allele CA363554491.
Genomic context (GRCh38, chr6:32,062,418, plus strand): 5'-AGGACAGGCTGAGGGAGTCAGGGGTCGCATCTGTCACGGTCAGCTCCTCCAGGCGAGGCT[T>C]GATGGGGGGTTCAGGGGTGGGAGGTTCTGTCGAGGCTGGGGCCATTTCTTCATCCTTTCC-3'
Protein context (NP_001352205.1, residues 2293-2313): TEPPTPEPPI[Lys2303Glu]PRLEELTVTD